The following is an entry in ClinVar:

NM_001161352.2(KCNMA1):c.2485A>G (p.Thr829Ala)

Genes: KCNMA1 (potassium calcium-activated channel subfamily M alpha 1; minus strand), KCNMA1-AS1 (KCNMA1 antisense RNA 1; plus strand). Cytogenetic location: 10q22.3.
Variant type: single nucleotide variant.
Coding change: c.2485A>G on transcript NM_001161352.2 (MANE Select); coding-DNA position 2485, A replaced by G.
Protein change: p.Thr829Ala; replaces threonine 829 with alanine.
Molecular consequence: missense variant.
Genome position (GRCh38, 1-based): chr10:76,949,366, T>C on the plus strand (A>G on the coding strand, the complement: KCNMA1 is on the minus strand). VCF-style: chr10-76949366-T-C. GRCh37 (hg19) VCF-style: chr10-78709124-T-C.
Other names: c.2323A>G, p.Thr775Ala (NM_001014797.3, NM_001322835.2, NM_001322837.2); c.2434A>G, p.Thr812Ala (NM_001161353.2); c.2161A>G, p.Thr721Ala (NM_001271518.2); c.2320A>G, p.Thr774Ala (NM_001271519.2, NM_001322829.2, NM_001322836.2); c.2332A>G, p.Thr778Ala (NM_001322830.2); c.2311A>G, p.Thr771Ala (NM_001322832.2, NM_001410940.1, NM_002247.4); c.1858A>G, p.Thr620Ala (NM_001322838.2); short protein forms T620A, T721A, T771A, T774A, T775A, T778A, T812A, T829A.
Identifiers: ClinVar variation 1722051 (VCV001722051.6), dbSNP rs2550167875, ClinGen allele CA377406581.
Genomic context (GRCh38, chr10:76,949,366, plus strand): 5'-CGCCAAAGATGCAGACCACGACATGGCCACTCAGGACGGTCATGGCAGCTTCACTTCGAG[T>C]CTACAACAGGGAGAAGTGGGTAAGAGTCAGAGAGAAGACTGCATAGGGCTGTTGTAAGGA-3'
Protein context (NP_001154824.1, residues 819-839): APKEIEKVIL[Thr829Ala]RSEAAMTVLS

ClinVar aggregate classification (germline): Uncertain significance (1 of 4 stars; one submission).

Conditions:
Generalized epilepsy-paroxysmal dyskinesia syndrome (PNKD3). Also called: Generalized epilepsy and paroxysmal dyskinesia; Paroxysmal nonkinesigenic dyskinesia, 3, with or without generalized epilepsy. Identifiers: Orphanet 79137, MedGen C5574945, MONDO:0012276, OMIM 609446.

Submission:

Labcorp Genetics (formerly Invitae), Labcorp
Classification: Uncertain significance for Generalized epilepsy-paroxysmal dyskinesia syndrome. Last evaluated: 2023-12-06. Review status: criteria provided, single submitter. Criteria: Invitae Variant Classification Sherloc (09022015). Collection method: clinical testing. Allele origin: germline.
Comment: This sequence change replaces threonine, which is neutral and polar, with alanine, which is neutral and non-polar, at codon 771 of the KCNMA1 protein (p.Thr771Ala). This variant is not present in population databases (gnomAD no frequency). This variant has not been reported in the literature in individuals affected with KCNMA1-related conditions. ClinVar contains an entry for this variant (Variation ID: 1722051). An algorithm developed to predict the effect of missense changes on protein structure and function (PolyPhen-2) suggests that this variant is likely to be disruptive. In summary, the available evidence is currently insufficient to determine the role of this variant in disease. Therefore, it has been classified as a Variant of Uncertain Significance.